The following is an entry in ClinVar:

NM_005236.3(ERCC4):c.703G>A (p.Ala235Thr)

Gene: ERCC4 (ERCC excision repair 4, endonuclease catalytic subunit; plus strand). Cytogenetic location: 16p13.12.
Variant type: single nucleotide variant.
Coding change: c.703G>A on transcript NM_005236.3 (MANE Select); coding-DNA position 703, G replaced by A.
Protein change: p.Ala235Thr; replaces alanine 235 with threonine.
Molecular consequence: missense variant.
Genome position (GRCh38, 1-based): chr16:13,928,146, G>A. VCF-style: chr16-13928146-G-A. GRCh37 (hg19) VCF-style: chr16-14022003-G-A.
Other names: short protein forms A235T.
Identifiers: ClinVar variation 646508 (VCV000646508.33), dbSNP rs141101671, ClinGen allele CA7910254.
Genomic context (GRCh38, chr16:13,928,146, plus strand): 5'-CATGTTTCTATGACACCTACCATGCTTGCTATACAGACTGCTATACTGGACATTTTAAAT[G>A]CATGTCTAAAGGAACTAAAATGCCATAACCCATCGCTTGAAGTGGAAGATTTATCTTTAG-3'
Protein context (NP_005227.1, residues 225-245): IQTAILDILN[Ala235Thr]CLKELKCHNP

ClinVar aggregate classification (germline): Uncertain significance. Review status: criteria provided, multiple submitters, no conflicts (2 of 4 stars). 9 submissions from 9 submitters: Uncertain significance (9). Last evaluated 2026-02-20.

Conditions:
Cockayne syndrome. Identifiers: Orphanet 191, MedGen C0009207, MONDO:0016006.
Fanconi anemia complementation group Q. Identifiers: Orphanet 84, MedGen C3808988, MONDO:0014108, OMIM 615272.
Xeroderma pigmentosum, group F (XPF). Also called: XERODERMA PIGMENTOSUM, COMPLEMENTATION GROUP F; XERODERMA PIGMENTOSUM VI; XP, GROUP F; ERCC4-Related Xeroderma Pigmentosum; XERODERMA PIGMENTOSUM, TYPE F; Xeroderma pigmentosum, type 6. Identifiers: MedGen C0268140, MONDO:0010215, OMIM 278760.
Inborn genetic diseases. Identifiers: MedGen C0950123, MeSH D030342.
XFE progeroid syndrome (XFEPS). Also called: XPF-ERCC1 PROGEROID SYNDROME. Identifiers: MedGen C1970416, MONDO:0012590, OMIM 610965.

Allele frequency attached by ClinVar (database versions not stated): ExAC 0.00008; gnomAD 0.00009; gnomAD exomes 0.00012; TOPMed 0.00014; 1000 Genomes Project 0.00020; 1000 Genomes Project 30x 0.00031; ESP Exome Variant Server 0.00031.
gnomAD v4.1: 143 of 1,612,960 alleles (0.0089%); highest among the groups gnomAD compares: Middle Eastern, 0.083%; no homozygotes.

Submissions (9):

St. Jude Molecular Pathology, St. Jude Children's Research Hospital
Classification: Uncertain significance for Xeroderma pigmentosum, group F. Last evaluated: 2026-02-20. Review status: criteria provided, single submitter. Criteria: St. Jude Assertion Criteria 2020. Collection method: clinical testing. Allele origin: germline.
Comment: The ERCC4 c.703G>A p.(Ala235Thr) missense change has a maximum subpopulation frequency of 0.03% in gnomAD v2.1.1. The in silico tool REVEL predicts a benign effect on protein fu nction, but to our knowledge this prediction has not been confirmed by functional studies. To our knowledge, this variant has not been reported in the literature in individuals with Fanconi anemia or Xeroderma pigmentosum. In summary, the evidence curren tly available is insufficient to determine the clinical significance of this variant. It has therefore been classified as of uncertain significance.

Labcorp Genetics (formerly Invitae), Labcorp
Classification: Uncertain significance for Fanconi anemia complementation group Q; Xeroderma pigmentosum, group F; Cockayne syndrome. Last evaluated: 2026-01-13. Review status: criteria provided, single submitter. Criteria: Invitae Variant Classification Sherloc (09022015). Collection method: clinical testing. Allele origin: germline.
Comment: This sequence change replaces alanine, which is neutral and non-polar, with threonine, which is neutral and polar, at codon 235 of the ERCC4 protein (p.Ala235Thr). This variant is present in population databases (rs141101671, gnomAD 0.03%). This variant has not been reported in the literature in individuals affected with ERCC4-related conditions. ClinVar contains an entry for this variant (Variation ID: 646508). Invitae Evidence Modeling of protein sequence and biophysical properties (such as structural, functional, and spatial information, amino acid conservation, physicochemical variation, residue mobility, and thermodynamic stability) indicates that this missense variant is not expected to disrupt ERCC4 protein function with a negative predictive value of 80%. In summary, the available evidence is currently insufficient to determine the role of this variant in disease. Therefore, it has been classified as a Variant of Uncertain Significance.

Ambry Genetics
Classification: Uncertain significance for Inborn genetic diseases. Last evaluated: 2025-09-10. Review status: criteria provided, single submitter. Criteria: Ambry Variant Classification Scheme 2023. Collection method: clinical testing. Allele origin: germline.

CeGaT Center for Human Genetics Tuebingen
Classification: Uncertain significance. Last evaluated: 2025-01-01. Review status: criteria provided, single submitter. Criteria: CeGaT Center For Human Genetics Tuebingen Variant Classification Criteria Version 2. Collection method: clinical testing. Allele origin: germline. Affected: yes. Observed: 1 variant allele.
Comment: ERCC4: PM2

Blueprint Genetics
Classification: Uncertain significance. Last evaluated: 2024-08-13. Review status: criteria provided, single submitter. Criteria: ACMG Guidelines, 2015. Collection method: clinical testing. Allele origin: germline.

Fulgent Genetics
Classification: Uncertain significance for Xeroderma pigmentosum, group F; XFE progeroid syndrome; Fanconi anemia complementation group Q. Last evaluated: 2023-12-28. Review status: criteria provided, single submitter. Criteria: ACMG Guidelines, 2015. Collection method: clinical testing. Allele origin: germline.

GeneDx
Classification: Uncertain significance. Last evaluated: 2023-10-04. Review status: criteria provided, single submitter. Criteria: GeneDx Variant Classification Process June 2021. Collection method: clinical testing. Allele origin: germline. Affected: yes.
Comment: In silico analysis supports that this missense variant does not alter protein structure/function; Has not been previously published as pathogenic or benign to our knowledge

Genetic Services Laboratory, University of Chicago
Classification: Uncertain significance. Last evaluated: 2021-12-23. Review status: criteria provided, single submitter. Criteria: ACMG Guidelines, 2015. Collection method: clinical testing. Allele origin: germline. Affected: no.
Comment: This sequence change does not appear to have been previously described in individuals with ERCC4-related disorders. This sequence change has been described in the gnomAD database with a frequency of 0.011% (dbSNP rs141101671). The p.Ala235Thr change affects a moderately conserved amino acid residue located in a domain of the ERCC4 protein that is known to be functional. The p.Ala235Thr substitution appears to be benign using several in-silico pathogenicity prediction tools (SIFT, PolyPhen2, Align GVGD, REVEL). Due to insufficient evidence and the lack of functional studies, the clinical significance of the p.Ala235Thr change remains unknown at this time.

Institute for Clinical Genetics, University Hospital TU Dresden, University Hospital TU Dresden
Classification: Uncertain significance. Last evaluated: 2021-11-03. Review status: criteria provided, single submitter. Criteria: ACMG Guidelines, 2015. Collection method: clinical testing. Allele origin: germline.